The following is an entry in ClinVar:

NM_002303.6(LEPR):c.1256A>G (p.His419Arg)

Gene: LEPR (leptin receptor; plus strand). Cytogenetic location: 1p31.3.
Variant type: single nucleotide variant.
Coding change: c.1256A>G on transcript NM_002303.6 (MANE Select); coding-DNA position 1256, A replaced by G.
Protein change: p.His419Arg; replaces histidine 419 with arginine.
Molecular consequence: missense variant.
Genome position (GRCh38, 1-based): chr1:65,601,653, A>G. VCF-style: chr1-65601653-A-G. GRCh37 (hg19) VCF-style: chr1-66067336-A-G.
Other names: c.1256A>G, p.His419Arg (NM_001003679.3, NM_001003680.3, NM_001198687.2 and 2 more transcripts); short protein forms H419R.
Identifiers: ClinVar variation 3344864 (VCV003344864.1).
Genomic context (GRCh38, chr1:65,601,653, plus strand): 5'-CCAAACCTCGAGGAAAGTTTACCTATGATGCAGTGTACTGCTGCAATGAACATGAATGCC[A>G]TCATCGCTATGCTGAATTATATGTGATTGGTAAGAAAACAGAGGTTTTGTTCATTTTGTT-3'
Protein context (NP_002294.2, residues 409-429): AVYCCNEHEC[His419Arg]HRYAELYVID

ClinVar aggregate classification (germline): Uncertain significance (0 of 4 stars; one submission).

Conditions:
LEPR-related disorder. Also called: LEPR-related condition; LEPR-related disorders.

gnomAD v4.1: 1 of 1,613,714 alleles (0.000062%); highest among the groups gnomAD compares: Non-Finnish European, 0.000085%; no homozygotes.

Submission:

PreventionGenetics, part of Exact Sciences
Classification: Uncertain significance for LEPR-related condition. Last evaluated: 2024-07-11. Review status: no assertion criteria provided. Collection method: clinical testing. Allele origin: germline.
Comment: The LEPR c.1256A>G variant is predicted to result in the amino acid substitution p.His419Arg. To our knowledge, this variant has not been reported in the literature. This variant is reported in 0.00088% of alleles in individuals of European (Non-Finnish) descent in gnomAD. At this time, the clinical significance of this variant is uncertain due to the absence of conclusive functional and genetic evidence.